The following is an entry in ClinVar:

ClinVar aggregate classification (germline): Uncertain significance (1 of 4 stars; one submission).

Conditions:
Familial hypobetalipoproteinemia 1. Also called: Hypobetalipoproteinemia, normotriglyceridemic; Acanthocytosis with hypobetalipoproteinemia; APOB-Related Familial Hypobetalipoproteinemia. Identifiers: MedGen C4551990, MONDO:0014252, OMIM 615558.
Hypercholesterolemia, autosomal dominant, type B (FHCL2). Also called: Familial Hypercholesterolemia Type B; HYPERCHOLESTEROLEMIA, FAMILIAL, DUE TO LIGAND-DEFECTIVE APOLIPOPROTEIN B; Familial hypercholesterolemia 2; APOB-Related Familial Hypercholesterolemia, Autosomal Dominant; APOLIPOPROTEIN B-100, FAMILIAL DEFECTIVE; APOLIPOPROTEIN B-100, FAMILIAL LIGAND-DEFECTIVE. Identifiers: MedGen C1704417, MONDO:0007751, OMIM 144010.

Submission:

Labcorp Genetics (formerly Invitae), Labcorp
Classification: Uncertain significance for Familial hypobetalipoproteinemia 1; Hypercholesterolemia, autosomal dominant, type B. Last evaluated: 2019-08-21. Review status: criteria provided, single submitter. Criteria: Invitae Variant Classification Sherloc (09022015). Collection method: clinical testing. Allele origin: germline.
Comment: This sequence change replaces lysine with glutamic acid at codon 1259 of the APOB protein (p.Lys1259Glu). The lysine residue is weakly conserved and there is a small physicochemical difference between lysine and glutamic acid. This variant is not present in population databases (ExAC no frequency). This variant has not been reported in the literature in individuals with APOB-related conditions. Algorithms developed to predict the effect of missense changes on protein structure and function output the following: SIFT: "Tolerated"; PolyPhen-2: "Benign"; Align-GVGD: "Class C0". The glutamic acid amino acid residue is found in multiple mammalian species, suggesting that this missense change does not adversely affect protein function. These predictions have not been confirmed by published functional studies and their clinical significance is uncertain. In summary, the available evidence is currently insufficient to determine the role of this variant in disease. Therefore, it has been classified as a Variant of Uncertain Significance.

NM_000384.3(APOB):c.3775A>G (p.Lys1259Glu)

Gene: APOB (apolipoprotein B; minus strand). Cytogenetic location: 2p24.1.
Variant type: single nucleotide variant.
Coding change: c.3775A>G on transcript NM_000384.3 (MANE Select); coding-DNA position 3775, A replaced by G.
Protein change: p.Lys1259Glu; replaces lysine 1259 with glutamic acid.
Molecular consequence: missense variant.
Genome position (GRCh38, 1-based): chr2:21,014,515, T>C on the plus strand (A>G on the coding strand, the complement: APOB is on the minus strand). VCF-style: chr2-21014515-T-C. GRCh37 (hg19) VCF-style: chr2-21237387-T-C.
Other names: short protein forms K1259E.
Identifiers: ClinVar variation 941640 (VCV000941640.12), dbSNP rs1663416154, ClinGen allele CA346008325.